The following is an entry in ClinVar:

ClinVar aggregate classification (germline): Uncertain significance. Review status: criteria provided, multiple submitters, no conflicts (2 of 4 stars). 4 submissions from 4 submitters: Uncertain significance (4). Last evaluated 2025-11-30.

Conditions:
ALPK3-related disorder. Also called: ALPK3-related condition.
Cardiovascular phenotype. Identifiers: MedGen CN230736.

gnomAD v4.1: 18 of 1,614,142 alleles (0.0011%); highest among the groups gnomAD compares: African/African-American, 0.023%; no homozygotes.

Submissions (4):

Labcorp Genetics (formerly Invitae), Labcorp
Classification: Uncertain significance. Last evaluated: 2025-11-30. Review status: criteria provided, single submitter. Criteria: Invitae Variant Classification Sherloc (09022015). Collection method: clinical testing. Allele origin: germline.
Comment: This sequence change replaces threonine, which is neutral and polar, with lysine, which is basic and polar, at codon 1643 of the ALPK3 protein (p.Thr1643Lys). This variant is present in population databases (rs141398841, gnomAD 0.02%). This variant has not been reported in the literature in individuals affected with ALPK3-related conditions. ClinVar contains an entry for this variant (Variation ID: 1310497). Invitae Evidence Modeling of protein sequence and biophysical properties (such as structural, functional, and spatial information, amino acid conservation, physicochemical variation, residue mobility, and thermodynamic stability) indicates that this missense variant is expected to disrupt ALPK3 protein function with a positive predictive value of 80%. In summary, the available evidence is currently insufficient to determine the role of this variant in disease. Therefore, it has been classified as a Variant of Uncertain Significance.

GeneDx
Classification: Uncertain significance. Last evaluated: 2025-08-26. Review status: criteria provided, single submitter. Criteria: GeneDx Variant Classification Process June 2021. Collection method: clinical testing. Allele origin: germline. Affected: yes.
Comment: In silico analysis supports that this missense variant has a deleterious effect on protein structure/function; Has not been previously published as pathogenic or benign to our knowledge

PreventionGenetics, part of Exact Sciences
Classification: Uncertain significance for ALPK3-related condition. Last evaluated: 2025-05-29. Review status: criteria provided, single submitter. Criteria: ACMG Guidelines, 2015. Collection method: clinical testing. Allele origin: germline.
Comment: The ALPK3 c.4928C>A variant is predicted to result in the amino acid substitution p.Thr1643Lys. To our knowledge, this variant has not been reported in the literature. This variant is reported in 0.016% of alleles in individuals of African descent in gnomAD. At this time, the clinical significance of this variant is uncertain due to the absence of conclusive functional and genetic evidence.

Ambry Genetics
Classification: Uncertain significance for Cardiovascular phenotype. Last evaluated: 2023-05-11. Review status: criteria provided, single submitter. Criteria: Ambry Variant Classification Scheme 2023. Collection method: clinical testing. Allele origin: germline.
Comment: The p.T1643K variant (also known as c.4928C>A), located in coding exon 10 of the ALPK3 gene, results from a C to A substitution at nucleotide position 4928. The threonine at codon 1643 is replaced by lysine, an amino acid with similar properties. This amino acid position is highly conserved in available vertebrate species. In addition, this alteration is predicted to be tolerated by in silico analysis. Since supporting evidence is limited at this time, the clinical significance of this alteration remains unclear.

NM_020778.5(ALPK3):c.4322C>A (p.Thr1441Lys)

Gene: ALPK3 (alpha kinase 3; plus strand). Cytogenetic location: 15q25.3.
Variant type: single nucleotide variant.
Coding change: c.4322C>A on transcript NM_020778.5 (MANE Select); coding-DNA position 4322, C replaced by A.
Protein change: p.Thr1441Lys; replaces threonine 1441 with lysine.
Molecular consequence: missense variant.
Genome position (GRCh38, 1-based): chr15:84,862,827, C>A. VCF-style: chr15-84862827-C-A. GRCh37 (hg19) VCF-style: chr15-85406058-C-A.
Other names: short protein forms T1441K.
Identifiers: ClinVar variation 1310497 (VCV001310497.12), dbSNP rs141398841, ClinGen allele CA7709930.
Genomic context (GRCh38, chr15:84,862,827, plus strand): 5'-GGAAGGCCTCCCAGGCCAAGGTCATCTACGGGCTGGAACCCATCTTCGAGTCGGGCCGCA[C>A]GTGCATCATCAAGGTGTCCAGCCTGCTTGTGTTTGGGCCCAGCAGTGAGACTTCTCTTGT-3'
Protein context (NP_065829.4, residues 1431-1451): GLEPIFESGR[Thr1441Lys]CIIKVSSLLV